The following is an entry in ClinVar:

NM_004655.4(AXIN2):c.717C>A (p.Phe239Leu)

Gene: AXIN2 (axin 2; minus strand). Cytogenetic location: 17q24.1.
Variant type: single nucleotide variant.
Coding change: c.717C>A on transcript NM_004655.4 (MANE Select); coding-DNA position 717, C replaced by A.
Protein change: p.Phe239Leu; replaces phenylalanine 239 with leucine.
Molecular consequence: missense variant.
Genome position (GRCh38, 1-based): chr17:65,557,904, G>T on the plus strand (C>A on the coding strand, the complement: AXIN2 is on the minus strand). VCF-style: chr17-65557904-G-T. GRCh37 (hg19) VCF-style: chr17-63554022-G-T.
Other names: c.717C>A, p.Phe239Leu (NM_001363813.1); short protein forms F239L.
Identifiers: ClinVar variation 2765441 (VCV002765441.3), dbSNP rs2144582762, ClinGen allele CA400680416.
Genomic context (GRCh38, chr17:65,557,904, plus strand): 5'-CGCCGTGGCCCTCAGAGTTTTGCTGGACAAGCCAACCACGGTTGGCGAAAGTTTGCACTT[G>T]AAGTCGGCACAAGTCCACTCCTCTTCTTCATTCAAGGTGGGGAGATAGCCACACACGACC-3'
Protein context (NP_004646.3, residues 229-249): NEEEEWTCAD[Phe239Leu]KCKLSPTVVG

ClinVar aggregate classification (germline): Uncertain significance (1 of 4 stars; one submission).

Conditions:
Oligodontia-cancer predisposition syndrome. Also called: TOOTH AGENESIS-COLORECTAL CANCER SYNDROME. Identifiers: Orphanet 300576, MedGen C1837750, MONDO:0012075, OMIM 608615. Disease mechanism: loss of function.

Submission:

Labcorp Genetics (formerly Invitae), Labcorp
Classification: Uncertain significance for Oligodontia-cancer predisposition syndrome. Last evaluated: 2024-12-02. Review status: criteria provided, single submitter. Criteria: Invitae Variant Classification Sherloc (09022015). Collection method: clinical testing. Allele origin: germline.
Comment: This sequence change replaces phenylalanine, which is neutral and non-polar, with leucine, which is neutral and non-polar, at codon 239 of the AXIN2 protein (p.Phe239Leu). This variant is not present in population databases (gnomAD no frequency). This variant has not been reported in the literature in individuals affected with AXIN2-related conditions. ClinVar contains an entry for this variant (Variation ID: 2765441). Invitae Evidence Modeling of protein sequence and biophysical properties (such as structural, functional, and spatial information, amino acid conservation, physicochemical variation, residue mobility, and thermodynamic stability) indicates that this missense variant is not expected to disrupt AXIN2 protein function with a negative predictive value of 80%. In summary, the available evidence is currently insufficient to determine the role of this variant in disease. Therefore, it has been classified as a Variant of Uncertain Significance.